The following is an entry in ClinVar:

ClinVar aggregate classification (germline): Uncertain significance. Review status: criteria provided, multiple submitters, no conflicts (2 of 4 stars). 2 submissions from 2 submitters: Uncertain significance (2). Last evaluated 2025-05-26.

Allele frequency attached by ClinVar (database versions not stated): ExAC 0.00001.

Submissions (2):

Ambry Genetics
Classification: Uncertain significance. Last evaluated: 2025-05-26. Review status: criteria provided, single submitter. Criteria: Ambry Variant Classification Scheme 2023. Collection method: clinical testing. Allele origin: germline.

CeGaT Center for Human Genetics Tuebingen
Classification: Uncertain significance. Last evaluated: 2022-10-01. Review status: criteria provided, single submitter. Criteria: CeGaT Center For Human Genetics Tuebingen Variant Classification Criteria Version 2. Collection method: clinical testing. Allele origin: germline. Affected: yes. Observed: 1 variant allele.
Comment: KCNJ12: PM2, PP3

NM_021012.5(KCNJ12):c.398C>A (p.Ala133Asp)

Gene: KCNJ12 (potassium inwardly rectifying channel subfamily J member 12; plus strand). Cytogenetic location: 17p11.2.
Variant type: single nucleotide variant.
Coding change: c.398C>A on transcript NM_021012.5 (MANE Select); coding-DNA position 398, C replaced by A.
Protein change: p.Ala133Asp; replaces alanine 133 with aspartic acid.
Molecular consequence: missense variant.
Genome position (GRCh38, 1-based): chr17:21,415,740, C>A. VCF-style: chr17-21415740-C-A. GRCh37 (hg19) VCF-style: chr17-21319052-C-A.
Other names: c.398C>A (NM_021012.4); short protein forms A133D.
Identifiers: ClinVar variation 2647575 (VCV002647575.24), dbSNP rs782714725, ClinGen allele CA8451110.
Genomic context (GRCh38, chr17:21,415,740, plus strand): 5'-AGCCGGCTGAGGGCCGGGGCCGCACACCCTGTGTGATGCAGGTGCACGGCTTCATGGCGG[C>A]CTTCCTCTTCTCCATCGAGACGCAGACCACCATCGGCTACGGGCTGCGCTGTGTGACGGA-3'
Protein context (NP_066292.2, residues 123-143): CVMQVHGFMA[Ala133Asp]FLFSIETQTT